The following is an entry in ClinVar:

NM_000719.7(CACNA1C):c.2794-5T>C

Gene: CACNA1C (calcium voltage-gated channel subunit alpha1 C; plus strand). Cytogenetic location: 12p13.33.
Variant type: single nucleotide variant.
Coding change: c.2794-5T>C on transcript NM_000719.7 (MANE Select); 5 bases into the intron before coding-DNA position 2794, T replaced by C.
Molecular consequence: intron variant.
Genome position (GRCh38, 1-based): chr12:2,597,225, T>C. VCF-style: chr12-2597225-T-C. GRCh37 (hg19) VCF-style: chr12-2706391-T-C.
Other names: c.2794-5T>C (NM_001167624.3, NM_001167623.2, NM_001167625.2 and 10 more transcripts); c.2794-212T>C (NM_001129840.2, NM_001129836.2, NM_001129841.2 and 5 more transcripts); c.2785-5T>C (NM_001129844.2).
Identifiers: ClinVar variation 1155286 (VCV001155286.11), dbSNP rs1568666242, ClinGen allele CA602712860.

ClinVar aggregate classification (germline): Conflicting classifications of pathogenicity. Review status: criteria provided, conflicting classifications (1 of 4 stars). 2 submissions from 2 submitters: Uncertain significance (1); Likely benign (1). Last evaluated 2024-10-28.

Conditions:
Cardiovascular phenotype. Identifiers: MedGen CN230736.
Long QT syndrome (LQTS). Identifiers: MedGen C0023976, MeSH D008133, MONDO:0002442. Disease mechanism: loss of function. Inheritance: Various modes of inheritance.

Allele frequency attached by ClinVar (database versions not stated): gnomAD exomes below 0.00001.
gnomAD v4.1: 3 of 1,604,888 alleles (0.00019%); highest among the groups gnomAD compares: Non-Finnish European, 0.00026%; no homozygotes.

Submissions (2):

Labcorp Genetics (formerly Invitae), Labcorp
Classification: Likely benign for Long QT syndrome. Last evaluated: 2024-10-28. Review status: criteria provided, single submitter. Criteria: Invitae Variant Classification Sherloc (09022015). Collection method: clinical testing. Allele origin: germline.

Ambry Genetics
Classification: Uncertain significance for Cardiovascular phenotype. Last evaluated: 2021-01-19. Review status: criteria provided, single submitter. Criteria: Ambry Variant Classification Scheme 2023. Collection method: clinical testing. Allele origin: germline.
Comment: The c.2794-5T>C intronic variant results from a T to C substitution 5 nucleotides upstream from coding exon 21 in the CACNA1C gene. This nucleotide position is highly conserved in available vertebrate species. In silico splice site analysis for this alteration is inconclusive. Since supporting evidence is limited at this time, the clinical significance of this alteration remains unclear.